The following is an entry in ClinVar:

NM_001371727.1(GABRB2):c.1153A>G (p.Thr385Ala)

Gene: GABRB2 (gamma-aminobutyric acid type A receptor subunit beta2; minus strand). Cytogenetic location: 5q34.
Variant type: single nucleotide variant.
Coding change: c.1153A>G on transcript NM_001371727.1 (MANE Select); coding-DNA position 1153, A replaced by G.
Protein change: p.Thr385Ala; replaces threonine 385 with alanine.
Molecular consequence: missense variant. On other transcripts: intron variant (1).
Genome position (GRCh38, 1-based): chr5:161,326,406, T>C on the plus strand (A>G on the coding strand, the complement: GABRB2 is on the minus strand). VCF-style: chr5-161326406-T-C. GRCh37 (hg19) VCF-style: chr5-160753413-T-C.
Other names: c.1153A>G, p.Thr385Ala (NM_021911.3); c.1077+4477A>G (NM_000813.3); c.1153A>G (NM_021911.2); short protein forms T385A.
Identifiers: ClinVar variation 1445176 (VCV001445176.9), dbSNP rs201397195, ClinGen allele CA362174284.

ClinVar aggregate classification (germline): Uncertain significance. Review status: criteria provided, multiple submitters, no conflicts (2 of 4 stars). 2 submissions from 2 submitters: Uncertain significance (2). Last evaluated 2024-05-21.

Conditions:
Intellectual disability. Also called: Intellectual functioning disability; Intellectual developmental disorder; intellectual disabilities. Identifiers: MedGen C3714756, MeSH D008607, MONDO:0001071, HP:0001249.

gnomAD v4.1: 4 of 1,613,490 alleles (0.00025%); highest among the groups gnomAD compares: Non-Finnish European, 0.00025%; no homozygotes.

Submissions (2):

GeneDx
Classification: Uncertain significance. Last evaluated: 2024-05-21. Review status: criteria provided, single submitter. Criteria: GeneDx Variant Classification Process June 2021. Collection method: clinical testing. Allele origin: germline. Affected: yes.
Comment: Not observed at significant frequency in large population cohorts (gnomAD); In silico analysis indicates that this missense variant does not alter protein structure/function; Has not been previously published as pathogenic or benign to our knowledge

Labcorp Genetics (formerly Invitae), Labcorp
Classification: Uncertain significance for Intellectual disability. Last evaluated: 2021-05-10. Review status: criteria provided, single submitter. Criteria: Invitae Variant Classification Sherloc (09022015). Collection method: clinical testing. Allele origin: germline.
Comment: This sequence change replaces threonine with alanine at codon 385 of the GABRB2 protein (p.Thr385Ala). The threonine residue is weakly conserved and there is a small physicochemical difference between threonine and alanine. This variant is not present in population databases (ExAC no frequency). This variant has not been reported in the literature in individuals with GABRB2-related conditions. Advanced modeling of protein sequence and biophysical properties (such as structural, functional, and spatial information, amino acid conservation, physicochemical variation, residue mobility, and thermodynamic stability) performed at Invitae indicates that this missense variant is not expected to disrupt GABRB2 protein function. Algorithms developed to predict the effect of sequence changes on RNA splicing suggest that this variant may create or strengthen a splice site, but this prediction has not been confirmed by published transcriptional studies. In summary, the available evidence is currently insufficient to determine the role of this variant in disease. Therefore, it has been classified as a Variant of Uncertain Significance.